The following is an entry in ClinVar:

NM_000520.6(HEXA):c.1108T>A (p.Tyr370Asn)

Gene: HEXA (hexosaminidase subunit alpha; minus strand). Cytogenetic location: 15q23.
Variant type: single nucleotide variant.
Coding change: c.1108T>A on transcript NM_000520.6 (MANE Select); coding-DNA position 1108, T replaced by A.
Protein change: p.Tyr370Asn; replaces tyrosine 370 with asparagine.
Molecular consequence: missense variant.
Genome position (GRCh38, 1-based): chr15:72,347,724, A>T on the plus strand (T>A on the coding strand, the complement: HEXA is on the minus strand). VCF-style: chr15-72347724-A-T. GRCh37 (hg19) VCF-style: chr15-72640065-A-T.
Other names: c.1141T>A, p.Tyr381Asn (NM_001318825.2); short protein forms Y370N, Y381N.
Identifiers: ClinVar variation 2124308 (VCV002124308.4), dbSNP rs2542518848, ClinGen allele CA393061742.

ClinVar aggregate classification (germline): Uncertain significance (1 of 4 stars; one submission).

Conditions:
Tay-Sachs disease (TSD). Also called: HEXA DEFICIENCY; GM2 gangliosidosis, type 1; HEXA Disorders; Hexosaminidase alpha-subunit deficiency (variant B); Sphingolipidosis, Tay-Sachs; Hexosaminidase A Deficiency. Identifiers: Orphanet 845, MedGen C0039373, MONDO:0010100, OMIM 272800.

Submission:

Labcorp Genetics (formerly Invitae), Labcorp
Classification: Uncertain significance for Tay-Sachs disease. Last evaluated: 2022-04-10. Review status: criteria provided, single submitter. Criteria: Invitae Variant Classification Sherloc (09022015). Collection method: clinical testing. Allele origin: germline.
Comment: This variant has not been reported in the literature in individuals affected with HEXA-related conditions. This sequence change replaces tyrosine, which is neutral and polar, with asparagine, which is neutral and polar, at codon 370 of the HEXA protein (p.Tyr370Asn). This variant is not present in population databases (gnomAD no frequency). Algorithms developed to predict the effect of missense changes on protein structure and function are either unavailable or do not agree on the potential impact of this missense change (SIFT: "Tolerated"; PolyPhen-2: "Probably Damaging"; Align-GVGD: "Class C0"). In summary, the available evidence is currently insufficient to determine the role of this variant in disease. Therefore, it has been classified as a Variant of Uncertain Significance.